The following is an entry in ClinVar:

NM_006892.4(DNMT3B):c.1072A>G (p.Asn358Asp)

Gene: DNMT3B (DNA methyltransferase 3 beta; plus strand). Cytogenetic location: 20q11.21.
Variant type: single nucleotide variant.
Coding change: c.1072A>G on transcript NM_006892.4 (MANE Select); coding-DNA position 1072, A replaced by G.
Protein change: p.Asn358Asp; replaces asparagine 358 with aspartic acid.
Molecular consequence: missense variant. On other transcripts: intron variant (5).
Genome position (GRCh38, 1-based): chr20:32,793,541, A>G. VCF-style: chr20-32793541-A-G. GRCh37 (hg19) VCF-style: chr20-31381347-A-G.
Other names: c.1066+771A>G (NM_175848.2, NM_175849.2); c.940+771A>G (NM_001207055.2); c.838+771A>G (NM_001207056.2); c.1102+771A>G (NM_175850.3); short protein forms N358D.
Identifiers: ClinVar variation 2413470 (VCV002413470.2), dbSNP rs1980240489, ClinGen allele CA408590093.

ClinVar aggregate classification (germline): Uncertain significance (1 of 4 stars; one submission).

Conditions:
Centromeric instability of chromosomes 1,9 and 16 and immunodeficiency (ICF1). Also called: IMMUNE DEFICIENCY, VARIABLE, WITH CENTROMERIC INSTABILITY OF CHROMOSOMES 1, 9, AND 16; IMMUNODEFICIENCY SYNDROME, VARIABLE; CENTROMERIC INSTABILITY, IMMUNODEFICIENCY SYNDROME; Immunodeficiency-centromeric instability-facial anomalies. Identifiers: Orphanet 2268, MedGen C0398788, MONDO:0000133.

Allele frequency attached by ClinVar (database versions not stated): gnomAD exomes below 0.00001.
gnomAD v4.1: 3 of 1,614,206 alleles (0.00019%); highest among the groups gnomAD compares: Non-Finnish European, 0.00025%; no homozygotes.

Submission:

Labcorp Genetics (formerly Invitae), Labcorp
Classification: Uncertain significance for Centromeric instability of chromosomes 1,9 and 16 and immunodeficiency. Last evaluated: 2022-06-29. Review status: criteria provided, single submitter. Criteria: Invitae Variant Classification Sherloc (09022015). Collection method: clinical testing. Allele origin: germline.
Comment: This sequence change replaces asparagine, which is neutral and polar, with aspartic acid, which is acidic and polar, at codon 358 of the DNMT3B protein (p.Asn358Asp). This variant is not present in population databases (gnomAD no frequency). This variant has not been reported in the literature in individuals affected with DNMT3B-related conditions. Algorithms developed to predict the effect of missense changes on protein structure and function (SIFT, PolyPhen-2, Align-GVGD) all suggest that this variant is likely to be tolerated. In summary, the available evidence is currently insufficient to determine the role of this variant in disease. Therefore, it has been classified as a Variant of Uncertain Significance.